The following is an entry in ClinVar:

ClinVar aggregate classification (germline): Uncertain significance (1 of 4 stars; one submission).

Submission:

Greenwood Genetic Center Diagnostic Laboratories, Greenwood Genetic Center
Classification: Uncertain significance. Last evaluated: 2023-03-20. Review status: criteria provided, single submitter. Criteria: ACMG Guidelines, 2015. Collection method: clinical testing. Allele origin: germline. Affected: yes.
Comment: PM2

NM_001244008.2(KIF1A):c.997C>T (p.Pro333Ser)

Gene: KIF1A (kinesin family member 1A; minus strand). Cytogenetic location: 2q37.3.
Variant type: single nucleotide variant.
Coding change: c.997C>T on transcript NM_001244008.2 (MANE Select); coding-DNA position 997, C replaced by T.
Protein change: p.Pro333Ser; replaces proline 333 with serine.
Molecular consequence: missense variant.
Genome position (GRCh38, 1-based): chr2:240,774,223, G>A on the plus strand (C>T on the coding strand, the complement: KIF1A is on the minus strand). VCF-style: chr2-240774223-G-A. GRCh37 (hg19) VCF-style: chr2-241713640-G-A.
Other names: c.997C>T, p.Pro333Ser (NM_001320705.2, NM_001330289.2, NM_001330290.2 and 21 more transcripts); short protein forms P333S.
Identifiers: ClinVar variation 2505212 (VCV002505212.1), dbSNP rs2537957381, ClinGen allele CA351296793.